The following is an entry in ClinVar:

ClinVar aggregate classification (germline): Pathogenic (1 of 4 stars; one submission).

Conditions:
Neurofibromatosis, type 1 (NF1). Also called: Peripheral type neurofibromatosis; VON RECKLINGHAUSEN DISEASE; Neurofibromatosis, type I; NEUROFIBROMATOSIS, TYPE I, SOMATIC. Identifiers: Orphanet 636, MedGen C0027831, MONDO:0018975, OMIM 162200. Disease mechanism: loss of function.

Submission:

Labcorp Genetics (formerly Invitae), Labcorp
Classification: Pathogenic for Neurofibromatosis, type 1. Last evaluated: 2024-05-08. Review status: criteria provided, single submitter. Criteria: Invitae Variant Classification Sherloc (09022015). Collection method: clinical testing. Allele origin: germline.
Comment: This sequence change creates a premature translational stop signal (p.Met2064Thrfs*22) in the NF1 gene. It is expected to result in an absent or disrupted protein product. Loss-of-function variants in NF1 are known to be pathogenic (PMID: 10712197, 23913538). This variant is not present in population databases (gnomAD no frequency). This variant has not been reported in the literature in individuals affected with NF1-related conditions. Algorithms developed to predict the effect of sequence changes on RNA splicing suggest that this variant may disrupt the consensus splice site. For these reasons, this variant has been classified as Pathogenic.

Literature cited by the submitters: PubMed 10712197; PubMed 23913538.

NM_001042492.3(NF1):c.6254_6266del (p.Met2085fs)

Gene: NF1 (neurofibromin 1; plus strand). Cytogenetic location: 17q11.2.
Variant type: Deletion.
Coding change: c.6254_6266del on transcript NM_001042492.3 (MANE Select); coding-DNA positions 6254 to 6266, 13 bases deleted (TGCTGATGCTGTC).
Protein change: p.Met2085fs; shifts the reading frame from methionine 2085.
Molecular consequence: frameshift variant.
Genome position (GRCh38, 1-based): chr17:31,336,741-31,336,753, TGCTGATGCTGTC deleted. VCF-style (leftmost placement, unchanged base first): chr17-31336740-ATGCTGATGCTGTC-A. GRCh37 (hg19) VCF-style: chr17-29663758-ATGCTGATGCTGTC-A.
Other names: c.6191_6203delTGCTGATGCTGTC, p.Met2064Thrfs (NM_000267.4); short protein forms M2064fs, M2085fs.
Identifiers: ClinVar variation 3652595 (VCV003652595.2).